The following is an entry in ClinVar:

NM_000400.4(ERCC2):c.2022C>T (p.Tyr674=)

Gene: ERCC2 (ERCC excision repair 2, TFIIH core complex helicase subunit; minus strand). Cytogenetic location: 19q13.32.
Variant type: single nucleotide variant.
Coding change: c.2022C>T on transcript NM_000400.4 (MANE Select); coding-DNA position 2022, C replaced by T.
Protein change: p.Tyr674=; no amino-acid change (tyrosine 674 retained).
Molecular consequence: synonymous variant.
Genome position (GRCh38, 1-based): chr19:45,352,530, G>A on the plus strand (C>T on the coding strand, the complement: ERCC2 is on the minus strand). VCF-style: chr19-45352530-G-A. GRCh37 (hg19) VCF-style: chr19-45855788-G-A.
Identifiers: ClinVar variation 1560810 (VCV001560810.12), dbSNP rs560408084, ClinGen allele CA9512936.

ClinVar aggregate classification (germline): Likely benign. Review status: criteria provided, multiple submitters, no conflicts (2 of 4 stars). 3 submissions from 3 submitters: Likely benign (3). Last evaluated 2026-04-01.

Conditions:
Inborn genetic diseases. Identifiers: MedGen C0950123, MeSH D030342.

Allele frequency attached by ClinVar (database versions not stated): TOPMed 0.00005; gnomAD exomes 0.00006; gnomAD 0.00007 and 0.00009; ExAC 0.00009; 1000 Genomes Project 30x 0.00016; 1000 Genomes Project 0.00020.
gnomAD v4.1: 105 of 1,614,178 alleles (0.0065%); highest among the groups gnomAD compares: South Asian, 0.029%; no homozygotes.

Submissions (3):

CeGaT Center for Human Genetics Tuebingen
Classification: Likely benign. Last evaluated: 2026-04-01. Review status: criteria provided, single submitter. Criteria: CeGaT Center For Human Genetics Tuebingen Variant Classification Criteria Version 2. Collection method: clinical testing. Allele origin: germline. Affected: yes. Observed: 1 variant allele.
Comment: ERCC2: BP4, BP7

Labcorp Genetics (formerly Invitae), Labcorp
Classification: Likely benign. Last evaluated: 2024-09-15. Review status: criteria provided, single submitter. Criteria: Invitae Variant Classification Sherloc (09022015). Collection method: clinical testing. Allele origin: germline.

Ambry Genetics
Classification: Likely benign for Inborn genetic diseases. Last evaluated: 2022-02-22. Review status: criteria provided, single submitter. Criteria: Ambry Variant Classification Scheme 2023. Collection method: clinical testing. Allele origin: germline.